The following is an entry in ClinVar:

NM_080860.4(RSPH1):c.11T>G (p.Leu4Arg)

Gene: RSPH1 (radial spoke head component 1; minus strand). Cytogenetic location: 21q22.3.
Variant type: single nucleotide variant.
Coding change: c.11T>G on transcript NM_080860.4 (MANE Select); coding-DNA position 11, T replaced by G.
Protein change: p.Leu4Arg; replaces leucine 4 with arginine.
Molecular consequence: missense variant.
Genome position (GRCh38, 1-based): chr21:42,496,176, A>C on the plus strand (T>G on the coding strand, the complement: RSPH1 is on the minus strand). VCF-style: chr21-42496176-A-C. GRCh37 (hg19) VCF-style: chr21-43916286-A-C.
Other names: c.11T>G (NM_080860.2); c.11T>G, p.Leu4Arg (NM_001286506.2); short protein forms L4R.
Identifiers: ClinVar variation 566701 (VCV000566701.11), dbSNP rs144240955, ClinGen allele CA10044112.

ClinVar aggregate classification (germline): Conflicting classifications of pathogenicity. Review status: criteria provided, conflicting classifications (1 of 4 stars). 3 submissions from 3 submitters: Uncertain significance (2); Likely benign (1). Last evaluated 2025-03-15.

Conditions:
Primary ciliary dyskinesia. Also called: Ciliary dyskinesia. Identifiers: Orphanet 244, MedGen C0008780, MONDO:0016575, HP:0012265.
Inborn genetic diseases. Identifiers: MedGen C0950123, MeSH D030342.
RSPH1-related disorder. Also called: RSPH1-related condition.

Allele frequency attached by ClinVar (database versions not stated): ExAC 0.00010; gnomAD exomes 0.00010; ESP Exome Variant Server 0.00031; TOPMed 0.00059.
gnomAD v4.1: 124 of 1,614,024 alleles (0.0077%); highest among the groups gnomAD compares: African/African-American, 0.15%; no homozygotes.

Submissions (3):

PreventionGenetics, part of Exact Sciences
Classification: Likely benign for RSPH1-related condition. Last evaluated: 2025-03-15. Review status: criteria provided, single submitter. Criteria: ACMG Guidelines, 2015. Collection method: clinical testing. Allele origin: germline.
Comment: This variant is classified as likely benign based on ACMG/AMP sequence variant interpretation guidelines (Richards et al. 2015 PMID: 25741868, with internal and published modifications).

Labcorp Genetics (formerly Invitae), Labcorp
Classification: Uncertain significance for Primary ciliary dyskinesia. Last evaluated: 2022-08-03. Review status: criteria provided, single submitter. Criteria: Invitae Variant Classification Sherloc (09022015). Collection method: clinical testing. Allele origin: germline.
Comment: This sequence change replaces leucine, which is neutral and non-polar, with arginine, which is basic and polar, at codon 4 of the RSPH1 protein (p.Leu4Arg). This variant is present in population databases (rs144240955, gnomAD 0.2%). This missense change has been observed in individual(s) with clinical features of primary ciliary dyskinesia (Invitae). ClinVar contains an entry for this variant (Variation ID: 566701). Algorithms developed to predict the effect of missense changes on protein structure and function are either unavailable or do not agree on the potential impact of this missense change (SIFT: "Tolerated"; PolyPhen-2: "Not Available"; Align-GVGD: "Class C0"). In summary, the available evidence is currently insufficient to determine the role of this variant in disease. Therefore, it has been classified as a Variant of Uncertain Significance.

Ambry Genetics
Classification: Uncertain significance for Inborn genetic diseases. Last evaluated: 2021-07-26. Review status: criteria provided, single submitter. Criteria: Ambry Variant Classification Scheme 2023. Collection method: clinical testing. Allele origin: germline.